The following is an entry in ClinVar:

NM_001378454.1(ALMS1):c.1096C>G (p.Gln366Glu)

Gene: ALMS1 (ALMS1 centrosome and basal body associated protein; plus strand). Cytogenetic location: 2p13.1.
Variant type: single nucleotide variant.
Coding change: c.1096C>G on transcript NM_001378454.1 (MANE Select); coding-DNA position 1096, C replaced by G.
Protein change: p.Gln366Glu; replaces glutamine 366 with glutamic acid.
Molecular consequence: missense variant.
Genome position (GRCh38, 1-based): chr2:73,424,761, C>G. VCF-style: chr2-73424761-C-G. GRCh37 (hg19) VCF-style: chr2-73651889-C-G.
Other names: c.1099C>G, p.Gln367Glu (NM_015120.4); short protein forms Q367E, Q366E.
Identifiers: ClinVar variation 569551 (VCV000569551.11), dbSNP rs887270267, ClinGen allele CA50368515.

ClinVar aggregate classification (germline): Uncertain significance. Review status: criteria provided, multiple submitters, no conflicts (2 of 4 stars). 4 submissions from 4 submitters: Uncertain significance (3). 1 of the submissions does not count toward it. Last evaluated 2025-06-12.

Conditions:
Cardiovascular phenotype. Identifiers: MedGen CN230736.
Alstrom syndrome (ALMS). Identifiers: Orphanet 64, MedGen C0268425, MONDO:0008763, OMIM 203800.

Allele frequency attached by ClinVar (database versions not stated): gnomAD exomes below 0.00001; gnomAD 0.00001; TOPMed 0.00002.
gnomAD v4.1: 2 of 1,613,704 alleles (0.00012%); highest among the groups gnomAD compares: African/African-American, 0.0013%; no homozygotes.

Submissions (4):

Labcorp Genetics (formerly Invitae), Labcorp
Classification: Uncertain significance for Alstrom syndrome. Last evaluated: 2025-06-12. Review status: criteria provided, single submitter. Criteria: Invitae Variant Classification Sherloc (09022015). Collection method: clinical testing. Allele origin: germline.
Comment: This sequence change replaces glutamine, which is neutral and polar, with glutamic acid, which is acidic and polar, at codon 367 of the ALMS1 protein (p.Gln367Glu). This variant is not present in population databases (gnomAD no frequency). This variant has not been reported in the literature in individuals affected with ALMS1-related conditions. ClinVar contains an entry for this variant (Variation ID: 569551). Experimental studies and prediction algorithms are not available or were not evaluated, and the functional significance of this variant is currently unknown. In summary, the available evidence is currently insufficient to determine the role of this variant in disease. Therefore, it has been classified as a Variant of Uncertain Significance.

Ambry Genetics
Classification: Uncertain significance for Cardiovascular phenotype. Last evaluated: 2021-12-09. Review status: criteria provided, single submitter. Criteria: Ambry Variant Classification Scheme 2023. Collection method: clinical testing. Allele origin: germline.

Fulgent Genetics
Classification: Uncertain significance for Alstrom syndrome. Last evaluated: 2021-07-12. Review status: criteria provided, single submitter. Criteria: ACMG Guidelines, 2015. Collection method: clinical testing. Allele origin: unknown.

Natera, Inc.
Classification: Uncertain significance for Alstrom syndrome. Last evaluated: 2020-09-16. Review status: no assertion criteria provided. Collection method: clinical testing. Allele origin: germline. Not counted in ClinVar's aggregate classification.